The following is an entry in ClinVar:

NM_001308093.3(GATA4):c.419G>T (p.Gly140Val)

Gene: GATA4 (GATA binding protein 4). Cytogenetic location: 8p23.1.
Variant type: single nucleotide variant.
Coding change: c.419G>T on transcript NM_001308093.3 (MANE Select); coding-DNA position 419, G replaced by T.
Protein change: p.Gly140Val; replaces glycine 140 with valine.
Molecular consequence: missense variant. On other transcripts: intron variant (3).
Genome position (GRCh38, 1-based): chr8:11,708,731, G>T. VCF-style: chr8-11708731-G-T. GRCh37 (hg19) VCF-style: chr8-11566240-G-T.
Other names: c.419G>T, p.Gly140Val (NM_002052.5); c.-6+7953G>T (NM_001308094.2); c.-3+717G>T (NM_001374274.1); c.-3+4427G>T (NM_001374273.1); short protein forms G140V.
Identifiers: ClinVar variation 2104666 (VCV002104666.4), dbSNP rs1800017929, ClinGen allele CA370309583.

ClinVar aggregate classification (germline): Uncertain significance (1 of 4 stars; one submission).

Conditions:
Atrioventricular septal defect 4 (AVSD4). Identifiers: MedGen C3280781, MONDO:0013747, OMIM 614430.

Allele frequency attached by ClinVar (database versions not stated): gnomAD exomes 0.00001.
gnomAD v4.1: 7 of 1,288,072 alleles (0.00054%); highest among the groups gnomAD compares: Non-Finnish European, 0.00068%; no homozygotes.

Submission:

Labcorp Genetics (formerly Invitae), Labcorp
Classification: Uncertain significance for Atrioventricular septal defect 4. Last evaluated: 2022-06-01. Review status: criteria provided, single submitter. Criteria: Invitae Variant Classification Sherloc (09022015). Collection method: clinical testing. Allele origin: germline.
Comment: This sequence change replaces glycine, which is neutral and non-polar, with valine, which is neutral and non-polar, at codon 140 of the GATA4 protein (p.Gly140Val). This variant is not present in population databases (gnomAD no frequency). This variant has not been reported in the literature in individuals affected with GATA4-related conditions. Algorithms developed to predict the effect of missense changes on protein structure and function are either unavailable or do not agree on the potential impact of this missense change (SIFT: "Tolerated"; PolyPhen-2: "Possibly Damaging"; Align-GVGD: "Class C0"). In summary, the available evidence is currently insufficient to determine the role of this variant in disease. Therefore, it has been classified as a Variant of Uncertain Significance.